The following is an entry in ClinVar:

NM_020975.6(RET):c.1057G>T (p.Asp353Tyr)

Gene: RET (ret proto-oncogene; plus strand). Cytogenetic location: 10q11.21.
Variant type: single nucleotide variant.
Coding change: c.1057G>T on transcript NM_020975.6 (MANE Select); coding-DNA position 1057, G replaced by T.
Protein change: p.Asp353Tyr; replaces aspartic acid 353 with tyrosine.
Molecular consequence: missense variant.
Genome position (GRCh38, 1-based): chr10:43,106,565, G>T. VCF-style: chr10-43106565-G-T. GRCh37 (hg19) VCF-style: chr10-43602013-G-T.
Other names: c.1057G>T, p.Asp353Tyr (NM_001406760.1, NM_001406763.1, NM_001406765.1 and 6 more transcripts); c.928G>T, p.Asp310Tyr (NM_001406761.1, NM_001406762.1, NM_001406764.1 and 1 more transcripts); c.769G>T, p.Asp257Tyr (NM_001406766.1, NM_001406767.1, NM_001406770.1); c.295G>T, p.Asp99Tyr (NM_001355216.2); short protein forms D99Y, D353Y, D257Y, D310Y.
Identifiers: ClinVar variation 838771 (VCV000838771.11), dbSNP rs1837785429, ClinGen allele CA376546515.

ClinVar aggregate classification (germline): Uncertain significance. Review status: criteria provided, multiple submitters, no conflicts (2 of 4 stars). 2 submissions from 2 submitters: Uncertain significance (2). Last evaluated 2024-05-21.

Conditions:
Multiple endocrine neoplasia type 2B. Also called: MUCOSAL NEUROMA SYNDROME; Multiple endocrine neoplasia, type 3; MULTIPLE ENDOCRINE NEOPLASIA, TYPE IIB; Multiple Endocrine Neoplasia Type 2B (MEN2B); MEN IIB; NEUROMATA, MUCOSAL, WITH ENDOCRINE TUMORS. Identifiers: Orphanet 247709, Orphanet 653, MedGen C0025269, MeSH D018814, MONDO:0008082, OMIM 162300.
Hirschsprung disease, susceptibility to, 1 (HSCR1). Also called: RET-Related Hirschsprung Disease. Identifiers: Orphanet 388, MedGen C3888239, MONDO:0007723, OMIM 142623.
Pheochromocytoma. Also called: MAX-Related Hereditary Paraganglioma-Pheochromocytoma Syndrome. Identifiers: Orphanet 29072, MedGen C0031511, MONDO:0008233, OMIM 171300, HP:0002666.
Multiple endocrine neoplasia type 2A. Also called: MULTIPLE ENDOCRINE NEOPLASIA, TYPE IIA; PTC SYNDROME; SIPPLE SYNDROME; MEN 2A; MEN-2A syndrome; Pheochromocytoma and amyloid producing medullary thyroid carcinoma. Identifiers: Orphanet 247698, Orphanet 653, MedGen C0025268, MeSH D018813, MONDO:0008234, OMIM 171400.
Familial medullary thyroid carcinoma (MTC). Also called: Familial Medullary Thyroid Carcinoma (FMTC); Thyroid cancer, familial medullary; MTC, familial. Identifiers: Orphanet 653, Orphanet 99361, MedGen C1833921, MONDO:0007958, OMIM 155240.
Multiple endocrine neoplasia, type 2 (MEN2). Identifiers: Orphanet 653, MedGen C4048306, MONDO:0019003. Disease mechanism: gain of function.

Submissions (2):

Fulgent Genetics
Classification: Uncertain significance for Hirschsprung disease, susceptibility to, 1; Familial medullary thyroid carcinoma; Multiple endocrine neoplasia type 2B; Pheochromocytoma; Multiple endocrine neoplasia type 2A. Last evaluated: 2024-05-21. Review status: criteria provided, single submitter. Criteria: ACMG Guidelines, 2015. Collection method: clinical testing. Allele origin: germline.

Labcorp Genetics (formerly Invitae), Labcorp
Classification: Uncertain significance for Multiple endocrine neoplasia, type 2. Last evaluated: 2023-07-10. Review status: criteria provided, single submitter. Criteria: Invitae Variant Classification Sherloc (09022015). Collection method: clinical testing. Allele origin: germline.
Comment: In summary, the available evidence is currently insufficient to determine the role of this variant in disease. Therefore, it has been classified as a Variant of Uncertain Significance. An algorithm developed to predict the effect of missense changes on protein structure and function (PolyPhen-2) suggests that this variant is likely to be disruptive. ClinVar contains an entry for this variant (Variation ID: 838771). This missense change has been observed in individual(s) with Hirschsprung disease (PMID: 22174939). This variant is not present in population databases (gnomAD no frequency). This sequence change replaces aspartic acid, which is acidic and polar, with tyrosine, which is neutral and polar, at codon 353 of the RET protein (p.Asp353Tyr).

Literature cited by the submitters: PubMed 22174939 (cited by Labcorp Genetics (formerly Invitae), Labcorp).